The following is an entry in ClinVar:

ClinVar aggregate classification (germline): Uncertain significance (1 of 4 stars; one submission).

Submission:

Labcorp Genetics (formerly Invitae), Labcorp
Classification: Uncertain significance. Last evaluated: 2023-09-11. Review status: criteria provided, single submitter. Criteria: Invitae Variant Classification Sherloc (09022015). Collection method: clinical testing. Allele origin: germline.
Comment: In summary, the available evidence is currently insufficient to determine the role of this variant in disease. Therefore, it has been classified as a Variant of Uncertain Significance. Advanced modeling of protein sequence and biophysical properties (such as structural, functional, and spatial information, amino acid conservation, physicochemical variation, residue mobility, and thermodynamic stability) performed at Invitae indicates that this missense variant is not expected to disrupt NBAS protein function. This variant has not been reported in the literature in individuals affected with NBAS-related conditions. This variant is not present in population databases (gnomAD no frequency). This sequence change replaces histidine, which is basic and polar, with tyrosine, which is neutral and polar, at codon 2118 of the NBAS protein (p.His2118Tyr).

NM_015909.4(NBAS):c.6352C>T (p.His2118Tyr)

Gene: NBAS (NBAS subunit of NRZ tethering complex; minus strand). Cytogenetic location: 2p24.3.
Variant type: single nucleotide variant.
Coding change: c.6352C>T on transcript NM_015909.4 (MANE Select); coding-DNA position 6352, C replaced by T.
Protein change: p.His2118Tyr; replaces histidine 2118 with tyrosine.
Molecular consequence: missense variant.
Genome position (GRCh38, 1-based): chr2:15,218,853, G>A on the plus strand (C>T on the coding strand, the complement: NBAS is on the minus strand). VCF-style: chr2-15218853-G-A. GRCh37 (hg19) VCF-style: chr2-15358977-G-A.
Other names: short protein forms H2118Y.
Identifiers: ClinVar variation 2851263 (VCV002851263.3), dbSNP rs2528181529, ClinGen allele CA345884357.